The following is an entry in ClinVar:

ClinVar aggregate classification (germline): Benign/Likely benign. Review status: criteria provided, multiple submitters, no conflicts (2 of 4 stars). 2 submissions from 2 submitters: Benign (1); Likely benign (1). Last evaluated 2024-07-01.

Conditions:
Hereditary spastic paraplegia 39 (SPG39). Also called: Spastic Paraplegia Type 39 (SPG39); SPASTIC PARAPLEGIA 39, AUTOSOMAL RECESSIVE. Identifiers: Orphanet 139480, MedGen C2677586, MONDO:0012787, OMIM 612020.

Allele frequency attached by ClinVar (database versions not stated): gnomAD 0.00001 and 0.00046; TOPMed 0.00004; gnomAD exomes 0.00199; 1000 Genomes Project 0.00339; 1000 Genomes Project 30x 0.00344; ExAC 0.00378.
gnomAD v4.1: 1,216 of 1,583,310 alleles (0.077%); highest among the groups gnomAD compares: South Asian, 1.3%; 26 homozygotes.

Submissions (2):

CeGaT Center for Human Genetics Tuebingen
Classification: Benign. Last evaluated: 2024-07-01. Review status: criteria provided, single submitter. Criteria: CeGaT Center For Human Genetics Tuebingen Variant Classification Criteria Version 2. Collection method: clinical testing. Allele origin: germline. Affected: yes. Observed: 1 variant allele.
Comment: PNPLA6: BS1, BS2

Illumina Laboratory Services, Illumina
Classification: Likely benign for Hereditary spastic paraplegia 39. Last evaluated: 2018-01-12. Review status: criteria provided, single submitter. Criteria: ICSL Variant Classification Criteria 13 December 2019. Collection method: clinical testing. Allele origin: germline.
Comment: This variant was observed in the ICSL laboratory as part of a predisposition screen in an ostensibly healthy population. It had not been previously curated by ICSL or reported in the Human Gene Mutation Database (HGMD: prior to June 1st, 2018), and was therefore a candidate for classification through an automated scoring system. Utilizing variant allele frequency, disease prevalence and penetrance estimates, and inheritance mode, an automated score was calculated to assess if this variant is too frequent to cause the disease. Based on the score and internal cut-off values, a variant classified as likely benign is not then subjected to further curation. The score for this variant resulted in a classification of likely benign for this disease.

NM_001166114.2(PNPLA6):c.*8G>A

Gene: PNPLA6 (patatin like domain 6, lysophospholipase; plus strand). Cytogenetic location: 19p13.2.
Variant type: single nucleotide variant.
Coding change: c.*8G>A on transcript NM_001166114.2 (MANE Select); 8 bases downstream of the stop codon, G replaced by A.
Molecular consequence: 3 prime UTR variant.
Genome position (GRCh38, 1-based): chr19:7,561,570, G>A. VCF-style: chr19-7561570-G-A. GRCh37 (hg19) VCF-style: chr19-7626456-G-A.
Other names: c.*8G>A (NM_001166111.2, NM_001166112.2, NM_001166113.1 and 1 more transcripts).
Identifiers: ClinVar variation 330540 (VCV000330540.22), dbSNP rs561526950, ClinGen allele CA9140707.